The following is an entry in ClinVar:

ClinVar aggregate classification (germline): Likely pathogenic (1 of 4 stars; one submission).

Conditions:
Polycystic kidney disease, adult type (PKD1). Also called: Polycystic Kidney, Autosomal Dominant; POLYCYSTIC KIDNEY DISEASE, ADULT, TYPE I; Polycystic Kidney Disease 1, Autosomal Dominant; Polycystic kidney disease 1; Polycystic kidney disease 1, severe; POLYCYSTIC KIDNEY DISEASE 1 WITH OR WITHOUT POLYCYSTIC LIVER DISEASE. Identifiers: MedGen C3149841, MONDO:0008263, OMIM 173900.

Submission:

Juno Genomics, Hangzhou Juno Genomics, Inc
Classification: Likely pathogenic for Polycystic kidney disease, adult type. Review status: criteria provided, single submitter. Criteria: ACMG Guidelines, 2015. Collection method: clinical testing. Allele origin: germline. Affected: yes.
Comment: Absent from controls (or at extremely low frequency if recessive) in Genome Aggregation Database.;Null variant in a gene where loss of function (LOF) is a known mechanism of disease.

NM_001009944.3(PKD1):c.11089dup (p.His3697fs)

Genes: PKD1 (polycystin 1, transient receptor potential channel interacting; minus strand), PKD1-AS1 (PKD1 antisense RNA 1; plus strand). Cytogenetic location: 16p13.3.
Variant type: Duplication.
Coding change: c.11089dup on transcript NM_001009944.3 (MANE Select); coding-DNA position 11089, one base duplicated (C; older notation c.11089dupC).
Protein change: p.His3697fs; shifts the reading frame from histidine 3697.
Molecular consequence: frameshift variant.
Genome position (GRCh38, 1-based): chr16:2,093,021, G duplicated on the plus strand (C on the coding strand, the reverse complement: PKD1 is on the minus strand). VCF-style (leftmost placement, unchanged base first): chr16-2093020-T-TG. GRCh37 (hg19) VCF-style: chr16-2143021-T-TG.
Other names: c.11086dup, p.His3696fs (NM_000296.4); short protein forms H3696fs, H3697fs.
Identifiers: ClinVar variation 5018769 (VCV005018769.1).